The following is an entry in ClinVar:

ClinVar aggregate classification (germline): Uncertain significance (1 of 4 stars; one submission).

Allele frequency attached by ClinVar (database versions not stated): ExAC 0.00002; gnomAD exomes 0.00002.
gnomAD v4.1: 9 of 1,210,814 alleles (0.00074%); highest among the groups gnomAD compares: South Asian, 0.007%; no homozygotes.

Submission:

Labcorp Genetics (formerly Invitae), Labcorp
Classification: Uncertain significance. Last evaluated: 2022-07-26. Review status: criteria provided, single submitter. Criteria: Invitae Variant Classification Sherloc (09022015). Collection method: clinical testing. Allele origin: germline.
Comment: Algorithms developed to predict the effect of missense changes on protein structure and function (SIFT, PolyPhen-2, Align-GVGD) all suggest that this variant is likely to be disruptive. In summary, the available evidence is currently insufficient to determine the role of this variant in disease. Therefore, it has been classified as a Variant of Uncertain Significance. Algorithms developed to predict the effect of sequence changes on RNA splicing suggest that this variant may create or strengthen a splice site. ClinVar contains an entry for this variant (Variation ID: 945641). This variant has not been reported in the literature in individuals affected with NEXMIF-related conditions. This variant is present in population databases (rs765125012, gnomAD 0.005%), including at least one homozygous and/or hemizygous individual. This sequence change replaces arginine, which is basic and polar, with glutamine, which is neutral and polar, at codon 465 of the NEXMIF protein (p.Arg465Gln).

NM_001008537.3(NEXMIF):c.1394G>A (p.Arg465Gln)

Gene: NEXMIF (neurite extension and migration factor; minus strand). Cytogenetic location: Xq13.3.
Variant type: single nucleotide variant.
Coding change: c.1394G>A on transcript NM_001008537.3 (MANE Select); coding-DNA position 1394, G replaced by A.
Protein change: p.Arg465Gln; replaces arginine 465 with glutamine.
Molecular consequence: missense variant.
Genome position (GRCh38, 1-based): chrX:74,743,163, C>T on the plus strand (G>A on the coding strand, the complement: NEXMIF is on the minus strand). VCF-style: chrX-74743163-C-T. GRCh37 (hg19) VCF-style: chrX-73962998-C-T.
Other names: short protein forms R465Q.
Identifiers: ClinVar variation 945641 (VCV000945641.9), dbSNP rs765125012, ClinGen allele CA10455126.